The following is an entry in ClinVar:

NM_133433.4(NIPBL):c.3121+11T>G

Gene: NIPBL (NIPBL cohesin loading factor; plus strand). Cytogenetic location: 5p13.2.
Variant type: single nucleotide variant.
Coding change: c.3121+11T>G on transcript NM_133433.4 (MANE Select); 11 bases into the intron after coding-DNA position 3121, T replaced by G.
Molecular consequence: intron variant.
Genome position (GRCh38, 1-based): chr5:36,986,312, T>G. VCF-style: chr5-36986312-T-G. GRCh37 (hg19) VCF-style: chr5-36986414-T-G.
Other names: c.3121+11T>G (NM_015384.5).
Identifiers: ClinVar variation 159074 (VCV000159074.19), dbSNP rs457583, ClinGen allele CA172684.

ClinVar aggregate classification (germline): Benign. Review status: criteria provided, multiple submitters, no conflicts (2 of 4 stars). 7 submissions from 7 submitters: Benign (7). Last evaluated 2026-01-31.

Conditions:
Cornelia de Lange syndrome 1 (CDLS1). Also called: Brachmann de Lange syndrome; NIPBL-Related Cornelia de Lange Syndrome; TYPUS DEGENERATIVUS AMSTELODAMENSIS. Identifiers: Orphanet 199, MedGen C4551851, MONDO:0007387, OMIM 122470.

Allele frequency attached by ClinVar (database versions not stated): gnomAD exomes 0.00075 and 0.00327; ExAC 0.00320; 1000 Genomes Project 0.00839; gnomAD 0.00873 and 0.00941; 1000 Genomes Project 30x 0.00968; TOPMed 0.01008; ESP Exome Variant Server 0.01082.
gnomAD v4.1: 2,370 of 1,454,432 alleles (0.16%); highest among the groups gnomAD compares: African/African-American, 3%; 35 homozygotes.

Submissions (7):

Labcorp Genetics (formerly Invitae), Labcorp
Classification: Benign for Cornelia de Lange syndrome 1. Last evaluated: 2026-01-31. Review status: criteria provided, single submitter. Criteria: Invitae Variant Classification Sherloc (09022015). Collection method: clinical testing. Allele origin: germline.

Genome-Nilou Lab
Classification: Benign for Cornelia de Lange syndrome 1. Last evaluated: 2021-07-15. Review status: criteria provided, single submitter. Criteria: ACMG Guidelines, 2015. Collection method: clinical testing. Allele origin: germline. Affected: no.

Illumina Laboratory Services, Illumina
Classification: Benign for Cornelia de Lange syndrome 1. Last evaluated: 2018-01-13. Review status: criteria provided, single submitter. Criteria: ICSL Variant Classification Criteria 13 December 2019. Collection method: clinical testing. Allele origin: germline.
Comment: This variant was observed in the ICSL laboratory as part of a predisposition screen in an ostensibly healthy population. It had not been previously curated by ICSL or reported in the Human Gene Mutation Database (HGMD: prior to June 1st, 2018), and was therefore a candidate for classification through an automated scoring system. Utilizing variant allele frequency, disease prevalence and penetrance estimates, and inheritance mode, an automated score was calculated to assess if this variant is too frequent to cause the disease. Based on the score and internal cut-off values, a variant classified as benign is not then subjected to further curation. The score for this variant resulted in a classification of benign for this disease.

GeneDx
Classification: Benign. Last evaluated: 2016-03-18. Review status: criteria provided, single submitter. Criteria: GeneDx Variant Classification (06012015). Collection method: clinical testing. Allele origin: germline. Affected: yes.
Comment: This variant is considered likely benign or benign based on one or more of the following criteria: it is a conservative change, it occurs at a poorly conserved position in the protein, it is predicted to be benign by multiple in silico algorithms, and/or has population frequency not consistent with disease.

Genetic Services Laboratory, University of Chicago
Classification: Benign. Last evaluated: 2013-02-08. Review status: criteria provided, single submitter. Criteria: ACMG Guidelines, 2007. Collection method: clinical testing. Allele origin: germline. Inheritance: Autosomal dominant inheritance.

Breakthrough Genomics
Classification: Benign. Review status: criteria provided, single submitter. Criteria: ACMG Guidelines, 2015. Collection method: not provided. Allele origin: germline. Inheritance: Autosomal dominant inheritance. Affected: yes.

PreventionGenetics, part of Exact Sciences
Classification: Benign. Review status: criteria provided, single submitter. Criteria: ACMG Guidelines, 2015. Collection method: clinical testing. Allele origin: germline.